The following is an entry in ClinVar:

ClinVar aggregate classification (germline): Uncertain significance (1 of 4 stars; one submission).

Conditions:
Perlman syndrome (PRLMNS). Identifiers: Orphanet 2849, MedGen C0796113, MONDO:0009965, OMIM 267000.

Allele frequency attached by ClinVar (database versions not stated): gnomAD 0.00001; gnomAD exomes 0.00001 and 0.00002; TOPMed 0.00001; ExAC 0.00004.
gnomAD v4.1: 23 of 1,614,056 alleles (0.0014%); highest among the groups gnomAD compares: South Asian, 0.016%; no homozygotes.

Submission:

Labcorp Genetics (formerly Invitae), Labcorp
Classification: Uncertain significance for Perlman syndrome. Last evaluated: 2025-07-19. Review status: criteria provided, single submitter. Criteria: Invitae Variant Classification Sherloc (09022015). Collection method: clinical testing. Allele origin: germline.
Comment: This sequence change replaces glycine, which is neutral and non-polar, with aspartic acid, which is acidic and polar, at codon 180 of the DIS3L2 protein (p.Gly180Asp). This variant is present in population databases (rs751484549, gnomAD 0.02%). This variant has not been reported in the literature in individuals affected with DIS3L2-related conditions. ClinVar contains an entry for this variant (Variation ID: 860294). An algorithm developed to predict the effect of missense changes on protein structure and function (PolyPhen-2) suggests that this variant is likely to be tolerated. In summary, the available evidence is currently insufficient to determine the role of this variant in disease. Therefore, it has been classified as a Variant of Uncertain Significance.

NM_152383.5(DIS3L2):c.539G>A (p.Gly180Asp)

Gene: DIS3L2 (DIS3 like 3'-5' exoribonuclease 2; plus strand). Cytogenetic location: 2q37.1.
Variant type: single nucleotide variant.
Coding change: c.539G>A on transcript NM_152383.5 (MANE Select); coding-DNA position 539, G replaced by A.
Protein change: p.Gly180Asp; replaces glycine 180 with aspartic acid.
Molecular consequence: missense variant. On other transcripts: non-coding transcript variant (2).
Genome position (GRCh38, 1-based): chr2:232,087,659, G>A. VCF-style: chr2-232087659-G-A. GRCh37 (hg19) VCF-style: chr2-232952369-G-A.
Other names: c.539G>A, p.Gly180Asp (NM_001257281.2, NM_001257282.2); short protein forms G180D.
Identifiers: ClinVar variation 860294 (VCV000860294.7), dbSNP rs751484549, ClinGen allele CA2163842.